The following is an entry in ClinVar:

ClinVar aggregate classification (germline): Pathogenic (1 of 4 stars; one submission).

gnomAD v4.1: 1 of 1,602,006 alleles (0.000062%); highest among the groups gnomAD compares: East Asian, 0.0022%; no homozygotes.

Submission:

Labcorp Genetics (formerly Invitae), Labcorp
Classification: Pathogenic. Last evaluated: 2023-10-26. Review status: criteria provided, single submitter. Criteria: Invitae Variant Classification Sherloc (09022015). Collection method: clinical testing. Allele origin: germline.
Comment: This sequence change creates a premature translational stop signal (p.Ser190*) in the ABCC2 gene. It is expected to result in an absent or disrupted protein product. Loss-of-function variants in ABCC2 are known to be pathogenic (PMID: 9185779, 16549534, 16952291). This variant is present in population databases (no rsID available, gnomAD 0.006%). This variant has not been reported in the literature in individuals affected with ABCC2-related conditions. Algorithms developed to predict the effect of sequence changes on RNA splicing suggest that this variant may disrupt the consensus splice site. For these reasons, this variant has been classified as Pathogenic.

Literature cited by the submitters: PubMed 9185779; PubMed 16549534; PubMed 16952291.

NM_000392.5(ABCC2):c.569C>A (p.Ser190Ter)

Gene: ABCC2 (ATP binding cassette subfamily C member 2; plus strand). Cytogenetic location: 10q24.2.
Variant type: single nucleotide variant.
Coding change: c.569C>A on transcript NM_000392.5 (MANE Select); coding-DNA position 569, C replaced by A.
Protein change: p.Ser190Ter; replaces serine 190 with a stop codon.
Molecular consequence: nonsense.
Genome position (GRCh38, 1-based): chr10:99,793,992, C>A. VCF-style: chr10-99793992-C-A. GRCh37 (hg19) VCF-style: chr10-101553749-C-A.
Other names: short protein forms S190*.
Identifiers: ClinVar variation 2815791 (VCV002815791.3), dbSNP rs1207538473, ClinGen allele CA378103060.
Genomic context (GRCh38, chr10:99,793,992, plus strand): 5'-TCTCCTACGGATTCCAGATCCTGATCCTGATCTTTTCAGCATTTTCAGAAAATAATGAGT[C>A]ATCAAATGTGAGATTCTAAATATGCCCATCTCATATATTACTTAATTGGATGATATCTTA-3'